The following is an entry in ClinVar:

ClinVar aggregate classification (germline): Uncertain significance (1 of 4 stars; one submission).

Allele frequency attached by ClinVar (database versions not stated): gnomAD exomes below 0.00001.
gnomAD v4.1: 1 of 1,614,126 alleles (0.000062%); highest among the groups gnomAD compares: Non-Finnish European, 0.000085%; no homozygotes.

Submission:

Labcorp Genetics (formerly Invitae), Labcorp
Classification: Uncertain significance. Last evaluated: 2022-04-16. Review status: criteria provided, single submitter. Criteria: Invitae Variant Classification Sherloc (09022015). Collection method: clinical testing. Allele origin: germline.
Comment: This sequence change replaces asparagine, which is neutral and polar, with aspartic acid, which is acidic and polar, at codon 63 of the GRIA4 protein (p.Asn63Asp). This variant is not present in population databases (gnomAD no frequency). This variant has not been reported in the literature in individuals affected with GRIA4-related conditions. Algorithms developed to predict the effect of missense changes on protein structure and function (SIFT, PolyPhen-2, Align-GVGD) all suggest that this variant is likely to be tolerated. In summary, the available evidence is currently insufficient to determine the role of this variant in disease. Therefore, it has been classified as a Variant of Uncertain Significance.

NM_000829.4(GRIA4):c.187A>G (p.Asn63Asp)

Gene: GRIA4 (glutamate ionotropic receptor AMPA type subunit 4; plus strand). Cytogenetic location: 11q22.3.
Variant type: single nucleotide variant.
Coding change: c.187A>G on transcript NM_000829.4 (MANE Select); coding-DNA position 187, A replaced by G.
Protein change: p.Asn63Asp; replaces asparagine 63 with aspartic acid.
Molecular consequence: missense variant. On other transcripts: non-coding transcript variant (1).
Genome position (GRCh38, 1-based): chr11:105,612,374, A>G. VCF-style: chr11-105612374-A-G. GRCh37 (hg19) VCF-style: chr11-105483101-A-G.
Other names: c.187A>G, p.Asn63Asp (NM_001077243.3, NM_001077244.2, NM_001112812.2); short protein forms N63D.
Identifiers: ClinVar variation 2126806 (VCV002126806.4), dbSNP rs2496353388, ClinGen allele CA382298693.